The following is an entry in ClinVar:

ClinVar aggregate classification (germline): Uncertain significance (1 of 4 stars; one submission).

Conditions:
RASopathy. Also called: rasopathies; Noonan spectrum disorder. Identifiers: Orphanet 536391, MedGen C5555857, MONDO:0021060.

Submission:

Labcorp Genetics (formerly Invitae), Labcorp
Classification: Uncertain significance for RASopathy. Last evaluated: 2022-04-25. Review status: criteria provided, single submitter. Criteria: Invitae Variant Classification Sherloc (09022015). Collection method: clinical testing. Allele origin: germline.
Comment: In summary, the available evidence is currently insufficient to determine the role of this variant in disease. Therefore, it has been classified as a Variant of Uncertain Significance. Advanced modeling of protein sequence and biophysical properties (such as structural, functional, and spatial information, amino acid conservation, physicochemical variation, residue mobility, and thermodynamic stability) performed at Invitae indicates that this missense variant is not expected to disrupt SOS1 protein function. This variant has not been reported in the literature in individuals affected with SOS1-related conditions. This variant is not present in population databases (gnomAD no frequency). This sequence change replaces histidine, which is basic and polar, with tyrosine, which is neutral and polar, at codon 1301 of the SOS1 protein (p.His1301Tyr).

NM_005633.4(SOS1):c.3901C>T (p.His1301Tyr)

Gene: SOS1 (SOS Ras/Rac guanine nucleotide exchange factor 1; minus strand). Cytogenetic location: 2p22.1.
Variant type: single nucleotide variant.
Coding change: c.3901C>T on transcript NM_005633.4 (MANE Select); coding-DNA position 3901, C replaced by T.
Protein change: p.His1301Tyr; replaces histidine 1301 with tyrosine.
Molecular consequence: missense variant.
Genome position (GRCh38, 1-based): chr2:38,985,925, G>A on the plus strand (C>T on the coding strand, the complement: SOS1 is on the minus strand). VCF-style: chr2-38985925-G-A. GRCh37 (hg19) VCF-style: chr2-39213066-G-A.
Other names: c.3880C>T, p.His1294Tyr (NM_001382394.1); c.3856C>T, p.His1286Tyr (NM_001382395.1); short protein forms H1294Y, H1301Y, H1286Y.
Identifiers: ClinVar variation 1919982 (VCV001919982.5), dbSNP rs2528869447, ClinGen allele CA346362083.
Genomic context (GRCh38, chr2:38,985,925, plus strand): 5'-TGTGCATGGATGGGTGTGTGTGCTCCCTTTTGTAAGTTTTTGGAGGGAGTTTAGGGATAT[G>A]TTGAGAAGTGCTTTGTCGTGGAGGAACAGGCGGCCCAGCAATGGAATGAAGGTCCACTTC-3'
Protein context (NP_005624.2, residues 1291-1311): PVPPRQSTSQ[His1301Tyr]IPKLPPKTYK